The following is an entry in ClinVar:

NM_000138.5(FBN1):c.811T>G (p.Cys271Gly)

Gene: FBN1 (fibrillin 1; minus strand). Cytogenetic location: 15q21.1.
Variant type: single nucleotide variant.
Coding change: c.811T>G on transcript NM_000138.5 (MANE Select); coding-DNA position 811, T replaced by G.
Protein change: p.Cys271Gly; replaces cysteine 271 with glycine.
Molecular consequence: missense variant.
Genome position (GRCh38, 1-based): chr15:48,534,131, A>C on the plus strand (T>G on the coding strand, the complement: FBN1 is on the minus strand). VCF-style: chr15-48534131-A-C. GRCh37 (hg19) VCF-style: chr15-48826328-A-C.
Other names: short protein forms C271G.
Identifiers: ClinVar variation 406269 (VCV000406269.11), dbSNP rs1060501019, ClinGen allele CA16614684.

ClinVar aggregate classification (germline): Likely pathogenic. Review status: criteria provided, multiple submitters, no conflicts (2 of 4 stars). 2 submissions from 2 submitters: Likely pathogenic (2). Last evaluated 2022-12-06.

Conditions:
Marfan syndrome (MFS). Also called: Marfan syndrome, classic; Marfan syndrome type 1; Marfan's syndrome; MARFAN SYNDROME, TYPE I; FBN1-Related Marfan Syndrome. Identifiers: Orphanet 284963, Orphanet 558, MedGen C0024796, MONDO:0007947, OMIM 154700.
Familial thoracic aortic aneurysm and aortic dissection (TAAD). Also called: Thoracic aortic aneurysms and dissections. Identifiers: Orphanet 91387, MedGen C4707243, MONDO:0019625.

Submissions (2):

Labcorp Genetics (formerly Invitae), Labcorp
Classification: Likely pathogenic for Marfan syndrome; Familial thoracic aortic aneurysm and aortic dissection. Last evaluated: 2022-12-06. Review status: criteria provided, single submitter. Criteria: Invitae Variant Classification Sherloc (09022015). Collection method: clinical testing. Allele origin: germline.
Comment: This variant affects a cysteine residue in the EGF-like, TGFBP or hybrid motif domains of FBN1. Cysteine residues are believed to be involved in intramolecular disulfide bridges and have been shown to be important for FBN1 protein structure (PMID: 16905551, 19349279). In addition, missense substitutions affecting cysteine residues within these domains are significantly overrepresented among patients with Marfan syndrome (PMID: 16571647, 17701892). In summary, the currently available evidence indicates that the variant is pathogenic, but additional data are needed to prove that conclusively. Therefore, this variant has been classified as Likely Pathogenic. Advanced modeling of protein sequence and biophysical properties (such as structural, functional, and spatial information, amino acid conservation, physicochemical variation, residue mobility, and thermodynamic stability) performed at Invitae indicates that this missense variant is expected to disrupt FBN1 protein function. This sequence change replaces cysteine, which is neutral and slightly polar, with glycine, which is neutral and non-polar, at codon 271 of the FBN1 protein (p.Cys271Gly). This variant is not present in population databases (gnomAD no frequency). This missense change has been observed in individual(s) with clinical features of FBN1-related conditions (PMID: 22144684). ClinVar contains an entry for this variant (Variation ID: 406269).

GeneDx
Classification: Likely pathogenic. Last evaluated: 2020-08-21. Review status: criteria provided, single submitter. Criteria: GeneDx Variant Classification Process June 2021. Collection method: clinical testing. Allele origin: germline. Affected: yes.
Comment: Not observed in large population cohorts (Lek et al., 2016); In silico analysis supports that this missense variant has a deleterious effect on protein structure/function; This variant is associated with the following publications: (PMID: 27906200)

Literature cited by the submitters: PubMed 16905551 (cited by Labcorp Genetics (formerly Invitae), Labcorp); PubMed 19349279 (cited by Labcorp Genetics (formerly Invitae), Labcorp); PubMed 16571647 (cited by Labcorp Genetics (formerly Invitae), Labcorp); PubMed 17701892 (cited by Labcorp Genetics (formerly Invitae), Labcorp); PubMed 22144684 (cited by Labcorp Genetics (formerly Invitae), Labcorp).